The following is an entry in ClinVar:

NM_001242896.3(DEPDC5):c.97A>G (p.Ile33Val)

Gene: DEPDC5 (DEP domain containing 5, GATOR1 subcomplex subunit; plus strand). Cytogenetic location: 22q12.2.
Variant type: single nucleotide variant.
Coding change: c.97A>G on transcript NM_001242896.3 (MANE Select); coding-DNA position 97, A replaced by G.
Protein change: p.Ile33Val; replaces isoleucine 33 with valine.
Molecular consequence: missense variant. On other transcripts: non-coding transcript variant (5).
Genome position (GRCh38, 1-based): chr22:31,758,584, A>G. VCF-style: chr22-31758584-A-G. GRCh37 (hg19) VCF-style: chr22-32154570-A-G.
Other names: c.97A>G, p.Ile33Val (NM_001007188.4, NM_001136029.4, NM_001242897.2 and 9 more transcripts); short protein forms I33V.
Identifiers: ClinVar variation 1501880 (VCV001501880.6), dbSNP rs368035159, ClinGen allele CA323318190.

ClinVar aggregate classification (germline): Uncertain significance (1 of 4 stars; one submission).

Conditions:
Familial focal epilepsy with variable foci (FPEVF). Identifiers: Orphanet 98820, MedGen C1858477, MONDO:0020310.

Allele frequency attached by ClinVar (database versions not stated): gnomAD exomes below 0.00001; TOPMed below 0.00001; ESP Exome Variant Server 0.00008.
gnomAD v4.1: 9 of 1,614,170 alleles (0.00056%); highest among the groups gnomAD compares: Non-Finnish European, 0.00059%; no homozygotes.

Submission:

Labcorp Genetics (formerly Invitae), Labcorp
Classification: Uncertain significance for Familial focal epilepsy with variable foci. Last evaluated: 2022-07-25. Review status: criteria provided, single submitter. Criteria: Invitae Variant Classification Sherloc (09022015). Collection method: clinical testing. Allele origin: germline.
Comment: ClinVar contains an entry for this variant (Variation ID: 1501880). Algorithms developed to predict the effect of missense changes on protein structure and function are either unavailable or do not agree on the potential impact of this missense change (SIFT: "Tolerated"; PolyPhen-2: "Not Available"; Align-GVGD: "Class C0"). In summary, the available evidence is currently insufficient to determine the role of this variant in disease. Therefore, it has been classified as a Variant of Uncertain Significance. This variant has not been reported in the literature in individuals affected with DEPDC5-related conditions. This sequence change replaces isoleucine, which is neutral and non-polar, with valine, which is neutral and non-polar, at codon 33 of the DEPDC5 protein (p.Ile33Val). This variant is not present in population databases (gnomAD no frequency).